The following is an entry in ClinVar:

ClinVar aggregate classification (germline): Benign (1 of 4 stars; one submission).

Submission:

Women's Health and Genetics/Laboratory Corporation of America, LabCorp
Classification: Benign. Last evaluated: 2019-09-16. Review status: criteria provided, single submitter. Criteria: LabCorp Variant Classification Summary - May 2015. Collection method: clinical testing. Allele origin: germline.
Comment: Variant summary: CFTR c.3367+214_3367+259del46 is located at a position not widely known to affect splicing. 5/5 computational tools predict no significant impact on normal splicing. However, these predictions have yet to be confirmed by functional studies. This variant is located in a highly repetitive, low complexity sequence region, and was found at a frequency of 0.32 in 17080 control chromosomes in the gnomAD database (genomes dataset), including 814 homozygotes. The observed variant frequency is approximately 25-fold of the estimated maximal expected allele frequency for a pathogenic variant in CFTR causing Cystic Fibrosis phenotype (0.013), strongly suggesting that the variant is benign. To our knowledge, no occurrence of c.3367+214_3367+259del46 in individuals affected with Cystic Fibrosis and no experimental evidence demonstrating its impact on protein function have been reported. No clinical diagnostic laboratories have submitted clinical-significance assessments for this variant to ClinVar after 2014. Based on the evidence outlined above, the variant was classified as benign.

NM_000492.4(CFTR):c.3367+214_3367+259del

Genes: CFTR (CF transmembrane conductance regulator; plus strand), CFTR-AS2 (CFTR antisense RNA 2; minus strand), LOC111674472 (DNase I hypersensitive sites in introns 16 and 17a of CFTR; plus strand). Cytogenetic location: 7q31.2.
Variant type: Deletion.
Coding change: c.3367+214_3367+259del on transcript NM_000492.4 (MANE Select); bases 214 to 259 of the intron after coding-DNA position 3367, 46 bases deleted.
Molecular consequence: intron variant.
Genome position (GRCh38, 1-based): chr7:117,612,022-117,612,067, 46 bases deleted; deleting any 46 consecutive bases within chr7:117,612,009-117,612,067 gives the same sequence; the c. name uses the placement nearest the transcript's 3' end. GRCh37 (hg19): chr7:117,252,076-117,252,121.
Other names: c.3367+214_3367+259del46 (NM_000492.3).
Identifiers: ClinVar variation 632755 (VCV000632755.2), dbSNP rs149975806, ClinGen allele CA164966989.